The following is an entry in ClinVar:

ClinVar aggregate classification (germline): Uncertain significance (1 of 4 stars; one submission).

Submission:

CeGaT Center for Human Genetics Tuebingen
Classification: Uncertain significance. Last evaluated: 2024-12-01. Review status: criteria provided, single submitter. Criteria: CeGaT Center For Human Genetics Tuebingen Variant Classification Criteria Version 2. Collection method: clinical testing. Allele origin: germline. Affected: yes. Observed: 1 variant allele.
Comment: CELSR3: PM2, BP4

NM_001407.3(CELSR3):c.4711G>A (p.Ala1571Thr)

Gene: CELSR3 (cadherin EGF LAG seven-pass G-type receptor 3; minus strand). Cytogenetic location: 3p21.31.
Variant type: single nucleotide variant.
Coding change: c.4711G>A on transcript NM_001407.3 (MANE Select); coding-DNA position 4711, G replaced by A.
Protein change: p.Ala1571Thr; replaces alanine 1571 with threonine.
Molecular consequence: missense variant.
Genome position (GRCh38, 1-based): chr3:48,655,766, C>T on the plus strand (G>A on the coding strand, the complement: CELSR3 is on the minus strand). VCF-style: chr3-48655766-C-T. GRCh37 (hg19) VCF-style: chr3-48693199-C-T.
Other names: short protein forms A1571T.
Identifiers: ClinVar variation 3771301 (VCV003771301.13).